The following is an entry in ClinVar:

ClinVar aggregate classification (germline): Uncertain significance (1 of 4 stars; one submission).

Allele frequency attached by ClinVar (database versions not stated): gnomAD exomes below 0.00001.
gnomAD v4.1: 1 of 1,613,826 alleles (0.000062%); highest among the groups gnomAD compares: African/African-American, 0.0013%; no homozygotes.

Submission:

Labcorp Genetics (formerly Invitae), Labcorp
Classification: Uncertain significance. Last evaluated: 2024-10-25. Review status: criteria provided, single submitter. Criteria: Invitae Variant Classification Sherloc (09022015). Collection method: clinical testing. Allele origin: germline.
Comment: This sequence change replaces tryptophan, which is neutral and slightly polar, with cysteine, which is neutral and slightly polar, at codon 70 of the PDE6G protein (p.Trp70Cys). This variant is not present in population databases (gnomAD no frequency). This variant has not been reported in the literature in individuals affected with PDE6G-related conditions. ClinVar contains an entry for this variant (Variation ID: 2035210). An algorithm developed to predict the effect of missense changes on protein structure and function (PolyPhen-2) suggests that this variant is likely to be disruptive. In summary, the available evidence is currently insufficient to determine the role of this variant in disease. Therefore, it has been classified as a Variant of Uncertain Significance.

NM_002602.4(PDE6G):c.210G>T (p.Trp70Cys)

Gene: PDE6G (phosphodiesterase 6G; minus strand). Cytogenetic location: 17q25.3.
Variant type: single nucleotide variant.
Coding change: c.210G>T on transcript NM_002602.4 (MANE Select); coding-DNA position 210, G replaced by T.
Protein change: p.Trp70Cys; replaces tryptophan 70 with cysteine.
Molecular consequence: missense variant. On other transcripts: non-coding transcript variant (2).
Genome position (GRCh38, 1-based): chr17:81,651,128, C>A on the plus strand (G>T on the coding strand, the complement: PDE6G is on the minus strand). VCF-style: chr17-81651128-C-A. GRCh37 (hg19) VCF-style: chr17-79618158-C-A.
Other names: c.210G>T, p.Trp70Cys (NM_001365724.1, NM_001365725.1); short protein forms W70C.
Identifiers: ClinVar variation 2035210 (VCV002035210.4), dbSNP rs2509804844, ClinGen allele CA401474005.